The following is an entry in ClinVar:

ClinVar aggregate classification (germline): Uncertain significance. Review status: criteria provided, multiple submitters, no conflicts (2 of 4 stars). 4 submissions from 4 submitters: Uncertain significance (4). Last evaluated 2025-12-23.

Conditions:
Hereditary cancer-predisposing syndrome. Also called: Tumor predisposition; Neoplastic Syndromes, Hereditary; Hereditary Cancer Syndrome; Hereditary neoplastic syndrome. Identifiers: Orphanet 140162, MedGen C0027672, MeSH D009386, MONDO:0015356.
Fanconi anemia complementation group O. Also called: RAD51C-Related Fanconi Anemia. Identifiers: Orphanet 84, MedGen C3150653, MONDO:0013248, OMIM 613390.

Allele frequency attached by ClinVar (database versions not stated): gnomAD exomes below 0.00001; gnomAD 0.00001.
gnomAD v4.1: 6 of 1,613,700 alleles (0.00037%); highest among the groups gnomAD compares: Admixed American, 0.0017%; no homozygotes.

Submissions (4):

Labcorp Genetics (formerly Invitae), Labcorp
Classification: Uncertain significance for Fanconi anemia complementation group O. Last evaluated: 2025-12-23. Review status: criteria provided, single submitter. Criteria: Invitae Variant Classification Sherloc (09022015). Collection method: clinical testing. Allele origin: germline.
Comment: This sequence change replaces threonine, which is neutral and polar, with alanine, which is neutral and non-polar, at codon 121 of the RAD51C protein (p.Thr121Ala). This variant is not present in population databases (gnomAD no frequency). This variant has not been reported in the literature in individuals affected with RAD51C-related conditions. ClinVar contains an entry for this variant (Variation ID: 478778). Invitae Evidence Modeling of protein sequence and biophysical properties (such as structural, functional, and spatial information, amino acid conservation, physicochemical variation, residue mobility, and thermodynamic stability) indicates that this missense variant is expected to disrupt RAD51C protein function with a positive predictive value of 80%. In summary, the available evidence is currently insufficient to determine the role of this variant in disease. Therefore, it has been classified as a Variant of Uncertain Significance.

Ambry Genetics
Classification: Uncertain significance for Hereditary cancer-predisposing syndrome. Last evaluated: 2025-03-28. Review status: criteria provided, single submitter. Criteria: Ambry Variant Classification Scheme 2023. Collection method: clinical testing. Allele origin: germline.
Comment: The p.T121A variant (also known as c.361A>G), located in coding exon 2 of the RAD51C gene, results from an A to G substitution at nucleotide position 361. The threonine at codon 121 is replaced by alanine, an amino acid with similar properties. This amino acid position is highly conserved in available vertebrate species. In addition, this alteration is predicted to be deleterious by in silico analysis. Since supporting evidence is limited at this time, the clinical significance of this alteration remains unclear.

Color Diagnostics, LLC DBA Color Health
Classification: Uncertain significance for Hereditary cancer-predisposing syndrome. Last evaluated: 2024-03-06. Review status: criteria provided, single submitter. Criteria: ACMG Guidelines, 2015. Collection method: clinical testing. Allele origin: germline.
Comment: This missense variant replaces threonine with alanine at codon 121 of the RAD51C protein. Computational prediction suggests that this variant may have deleterious impact on protein structure and function (internally defined REVEL score threshold >= 0.7, PMID: 27666373). Splice site prediction tools suggest that this variant may not impact RNA splicing. To our knowledge, functional studies have not been performed for this variant. This variant has not been reported in individuals affected with hereditary cancer in the literature. This variant has not been identified in the general population by the Genome Aggregation Database (gnomAD). The available evidence is insufficient to determine the role of this variant in disease conclusively. Therefore, this variant is classified as a Variant of Uncertain Significance.

Quest Diagnostics Nichols Institute San Juan Capistrano
Classification: Uncertain significance. Last evaluated: 2021-05-20. Review status: criteria provided, single submitter. Criteria: Quest Diagnostics criteria. Collection method: clinical testing. Allele origin: unknown.

NM_058216.3(RAD51C):c.361A>G (p.Thr121Ala)

Gene: RAD51C (RAD51 paralog C; plus strand). Cytogenetic location: 17q22.
Variant type: single nucleotide variant.
Coding change: c.361A>G on transcript NM_058216.3 (MANE Select); coding-DNA position 361, A replaced by G.
Protein change: p.Thr121Ala; replaces threonine 121 with alanine.
Molecular consequence: missense variant. On other transcripts: non-coding transcript variant (2).
Genome position (GRCh38, 1-based): chr17:58,695,146, A>G. VCF-style: chr17-58695146-A-G. GRCh37 (hg19) VCF-style: chr17-56772507-A-G.
Other names: c.361A>G, p.Thr121Ala (NM_002876.4); short protein forms T121A.
Identifiers: ClinVar variation 478778 (VCV000478778.21), dbSNP rs969395239, ClinGen allele CA292049017.
Genomic context (GRCh38, chr17:58,695,146, plus strand): 5'-ATCACCTTCTGTTCAGCACTAGATGATATTCTTGGGGGTGGAGTGCCCTTAATGAAAACA[A>G]CAGAAATTTGTGGTGCACCAGGTGTTGGAAAAACACAATTATGGTAAAATAAAGTGTTCT-3'
Protein context (NP_478123.1, residues 111-131): LGGGVPLMKT[Thr121Ala]EICGAPGVGK